The following is an entry in ClinVar:

ClinVar aggregate classification (germline): Pathogenic (1 of 4 stars; one submission).

Submission:

Labcorp Genetics (formerly Invitae), Labcorp
Classification: Pathogenic. Last evaluated: 2025-08-01. Review status: criteria provided, single submitter. Criteria: Invitae Variant Classification Sherloc (09022015). Collection method: clinical testing. Allele origin: germline.
Comment: This sequence change creates a premature translational stop signal (p.Ile1242Metfs*7) in the KIDINS220 gene. It is expected to result in an absent or disrupted protein product. Loss-of-function variants in KIDINS220 are known to be pathogenic (PMID: 28934391, 32909676). This variant is not present in population databases (gnomAD no frequency). This variant has not been reported in the literature in individuals affected with KIDINS220-related conditions. Algorithms developed to predict the effect of sequence changes on RNA splicing suggest that this variant may disrupt the consensus splice site. For these reasons, this variant has been classified as Pathogenic.

Literature cited by the submitters: PubMed 28934391; PubMed 32909676.

NM_020738.4(KIDINS220):c.3726_3733del (p.Ile1242fs)

Gene: KIDINS220 (kinase D interacting substrate 220; minus strand). Cytogenetic location: 2p25.1.
Variant type: Deletion.
Coding change: c.3726_3733del on transcript NM_020738.4 (MANE Select); coding-DNA positions 3726 to 3733, 8 bases deleted (AAATGGCC; older notation c.3726_3733delAAATGGCC).
Protein change: p.Ile1242fs; shifts the reading frame from isoleucine 1242.
Molecular consequence: frameshift variant. On other transcripts: non-coding transcript variant (2).
Genome position (GRCh38, 1-based): chr2:8,734,738-8,734,745, GGCCATTT deleted on the plus strand (AAATGGCC on the coding strand, the reverse complement: KIDINS220 is on the minus strand). VCF-style (leftmost placement, unchanged base first): chr2-8734737-CGGCCATTT-C. GRCh37 (hg19) VCF-style: chr2-8874867-CGGCCATTT-C.
Other names: c.3729_3736del, p.Ile1243fs (NM_001348729.2); c.3672_3679del, p.Ile1224fs (NM_001348731.2); c.3669_3676del, p.Ile1223fs (NM_001348732.2, NM_001348738.2); c.3558_3565del, p.Ile1186fs (NM_001348734.2, NM_001348739.2, NM_001348740.2); c.3555_3562del, p.Ile1185fs (NM_001348735.2, NM_001348741.2, NM_001348742.2 and 1 more transcripts); c.3429_3436del, p.Ile1143fs (NM_001348736.2); short protein forms I1243fs, I1143fs, I1185fs, I1242fs, I1186fs, I1223fs, I1224fs.
Identifiers: ClinVar variation 4724605 (VCV004724605.1).